The following is an entry in ClinVar:

ClinVar aggregate classification (germline): Conflicting classifications of pathogenicity. Review status: criteria provided, conflicting classifications (1 of 4 stars). 4 submissions from 4 submitters: Uncertain significance (3); Likely benign (1). Last evaluated 2026-01-19.

Conditions:
Inborn genetic diseases. Identifiers: MedGen C0950123, MeSH D030342.

Allele frequency attached by ClinVar (database versions not stated): ESP Exome Variant Server 0.00008; gnomAD exomes 0.00009 and 0.00018; ExAC 0.00012; gnomAD 0.00017 and 0.00019; TOPMed 0.00017.
gnomAD v4.1: 181 of 1,613,252 alleles (0.011%); highest among the groups gnomAD compares: Admixed American, 0.025%; no homozygotes.

Submissions (4):

Labcorp Genetics (formerly Invitae), Labcorp
Classification: Likely benign. Last evaluated: 2026-01-19. Review status: criteria provided, single submitter. Criteria: Invitae Variant Classification Sherloc (09022015). Collection method: clinical testing. Allele origin: germline.

GeneDx
Classification: Uncertain significance. Last evaluated: 2025-04-23. Review status: criteria provided, single submitter. Criteria: GeneDx Variant Classification Process June 2021. Collection method: clinical testing. Allele origin: germline. Affected: yes.
Comment: In silico analysis supports that this missense variant has a deleterious effect on protein structure/function; Has not been previously published as pathogenic or benign to our knowledge

CeGaT Center for Human Genetics Tuebingen
Classification: Uncertain significance. Last evaluated: 2025-02-01. Review status: criteria provided, single submitter. Criteria: CeGaT Center For Human Genetics Tuebingen Variant Classification Criteria Version 2. Collection method: clinical testing. Allele origin: germline. Affected: yes. Observed: 1 variant allele.

Ambry Genetics
Classification: Uncertain significance for Inborn genetic diseases. Last evaluated: 2024-01-16. Review status: criteria provided, single submitter. Criteria: Ambry Variant Classification Scheme 2023. Collection method: clinical testing. Allele origin: germline.

NM_001042545.2(LTBP4):c.2239G>A (p.Gly747Ser)

Gene: LTBP4 (latent transforming growth factor beta binding protein 4; plus strand). Cytogenetic location: 19q13.2.
Variant type: single nucleotide variant.
Coding change: c.2239G>A on transcript NM_001042545.2 (MANE Select); coding-DNA position 2239, G replaced by A.
Protein change: p.Gly747Ser; replaces glycine 747 with serine.
Molecular consequence: missense variant.
Genome position (GRCh38, 1-based): chr19:40,612,132, G>A. VCF-style: chr19-40612132-G-A. GRCh37 (hg19) VCF-style: chr19-41118038-G-A.
Other names: c.2440G>A, p.Gly814Ser (NM_001042544.1); c.2329G>A, p.Gly777Ser (NM_003573.2); short protein forms G747S, G777S, G814S.
Identifiers: ClinVar variation 1211177 (VCV001211177.24), dbSNP rs371314855, ClinGen allele CA9448595.
Genomic context (GRCh38, chr19:40,612,132, plus strand): 5'-GATGTGGATGAGTGTGAGAACCACCTCGCATGCCCTGGGCAGGAGTGTGTGAACTCGCCC[G>A]GCTCCTTCCAGTGCAGGACCTGTCCTTCTGGCCACCACCTGCACCGTGGCAGATGCACTG-3'
Protein context (NP_001036010.1, residues 737-757): CPGQECVNSP[Gly747Ser]SFQCRTCPSG